The following is an entry in ClinVar:

ClinVar aggregate classification (germline): Conflicting classifications of pathogenicity. Review status: criteria provided, conflicting classifications (1 of 4 stars). 3 submissions from 3 submitters: Uncertain significance (2); Benign (1). Last evaluated 2026-07-02.

Conditions:
Tuberous sclerosis 1 (TSC1). Identifiers: Orphanet 805, MedGen C1854465, MONDO:0008612, OMIM 191100.
Hereditary cancer-predisposing syndrome. Also called: Hereditary Cancer Syndrome; Tumor predisposition; Neoplastic Syndromes, Hereditary; Hereditary neoplastic syndrome. Identifiers: Orphanet 140162, MedGen C0027672, MeSH D009386, MONDO:0015356.
Isolated focal cortical dysplasia type II (FCORD2). Also called: CORTICAL DYSPLASIA OF TAYLOR; Focal cortical dysplasia type II. Identifiers: Orphanet 268994, MedGen C1846385, MONDO:0011818, OMIM 607341, HP:0032051.
Lymphangiomyomatosis (LAM). Also called: Lymphangioleiomyomatosis; Lymphangioleiomyomatosis, somatic. Identifiers: Orphanet 538, MedGen C0751674, MONDO:0011705, OMIM 606690.

gnomAD v4.1: 1 of 1,614,110 alleles (0.000062%); highest among the groups gnomAD compares: African/African-American, 0.0013%; no homozygotes.

Submissions (3):

Ambry Genetics
Classification: Uncertain significance for Hereditary cancer-predisposing syndrome. Last evaluated: 2026-07-02. Review status: criteria provided, single submitter. Criteria: Ambry Variant Classification Scheme 2023. Collection method: clinical testing. Allele origin: germline.
Comment: The p.E1101D variant (also known as c.3303G>T), located in coding exon 21 of the TSC1 gene, results from a G to T substitution at nucleotide position 3303. The glutamic acid at codon 1101 is replaced by aspartic acid, an amino acid with highly similar properties. This amino acid position is conserved. In addition, the in silico prediction for this alteration is inconclusive. Based on the available evidence, the clinical significance of this variant remains unclear.

Labcorp Genetics (formerly Invitae), Labcorp
Classification: Benign for Tuberous sclerosis 1. Last evaluated: 2025-12-14. Review status: criteria provided, single submitter. Criteria: Invitae Variant Classification Sherloc (09022015). Collection method: clinical testing. Allele origin: germline.

Fulgent Genetics
Classification: Uncertain significance for Tuberous sclerosis 1; Lymphangiomyomatosis; Isolated focal cortical dysplasia type II. Last evaluated: 2024-04-28. Review status: criteria provided, single submitter. Criteria: ACMG Guidelines, 2015. Collection method: clinical testing. Allele origin: germline.

NM_000368.5(TSC1):c.3303G>T (p.Glu1101Asp)

Gene: TSC1 (TSC complex subunit 1; minus strand). Cytogenetic location: 9q34.13.
Variant type: single nucleotide variant.
Coding change: c.3303G>T on transcript NM_000368.5 (MANE Select); coding-DNA position 3303, G replaced by T.
Protein change: p.Glu1101Asp; replaces glutamic acid 1101 with aspartic acid.
Molecular consequence: missense variant.
Genome position (GRCh38, 1-based): chr9:132,896,427, C>A on the plus strand (G>T on the coding strand, the complement: TSC1 is on the minus strand). VCF-style: chr9-132896427-C-A. GRCh37 (hg19) VCF-style: chr9-135771814-C-A.
Other names: c.3300G>T, p.Glu1100Asp (NM_001162426.2); c.3150G>T, p.Glu1050Asp (NM_001162427.2); c.2940G>T, p.Glu980Asp (NM_001362177.2); c.3303G>T (NM_000368.4); short protein forms E1050D, E1100D, E1101D, E980D.
Identifiers: ClinVar variation 1504784 (VCV001504784.10), dbSNP rs118203751, ClinGen allele CA375366667.
Genomic context (GRCh38, chr9:132,896,427, plus strand): 5'-CAGTTCTGTCTTTAGGCTCTCAGAAAGGCTACTGGTCATGCCGTCCTCATCACACTGGCT[C>A]TCGCTCTTATTACGAAATAACTCTCGAGCCTTCATACCCAGGAAGCTTTTTGAACTGGGA-3'
Protein context (NP_000359.1, residues 1091-1111): KARELFRNKS[Glu1101Asp]SQCDEDGMTS